The following is an entry in ClinVar:

ClinVar aggregate classification (germline): Conflicting classifications of pathogenicity. Review status: criteria provided, conflicting classifications (1 of 4 stars). 7 submissions from 5 submitters: Uncertain significance (5); Likely benign (2). Last evaluated 2026-09-01.

Conditions:
Amyotrophic lateral sclerosis type 5 (ALS5). Also called: AMYOTROPHIC LATERAL SCLEROSIS 5, JUVENILE. Identifiers: Orphanet 300605, MedGen C1865864, MONDO:0011196, OMIM 602099.
Inborn genetic diseases. Identifiers: MedGen C0950123, MeSH D030342.
Hereditary spastic paraplegia 11. Also called: SPASTIC PARAPLEGIA, AUTOSOMAL RECESSIVE, COMPLICATED, WITH THIN CORPUS CALLOSUM; SPASTIC PARAPLEGIA, AUTOSOMAL RECESSIVE, WITH MENTAL IMPAIRMENT AND THIN CORPUS CALLOSUM; Nakamura Osame syndrome; Autosomal recessive hereditary spastic paraplegia, mental impairment, and thin corpus callosum; Spastic Paraplegia 11; Spastic paraplegia, mental retardation and thin corpus callosum. Identifiers: Orphanet 2822, MedGen C1858479, MONDO:0011445, OMIM 604360.
Charcot-Marie-Tooth disease axonal type 2X. Also called: CHARCOT-MARIE-TOOTH DISEASE, AXONAL, AUTOSOMAL RECESSIVE, TYPE 2X; CHARCOT-MARIE-TOOTH NEUROPATHY, TYPE 2X. Identifiers: Orphanet 466775, MedGen C5569024, MONDO:0014726, OMIM 616668.

Allele frequency attached by ClinVar (database versions not stated): gnomAD exomes 0.00008 and 0.00016; gnomAD 0.00013 and 0.00016; TOPMed 0.00017; ExAC 0.00018.
gnomAD v4.1: 138 of 1,614,094 alleles (0.0085%); highest among the groups gnomAD compares: African/African-American, 0.035%; no homozygotes.

Submissions (7):

CeGaT Center for Human Genetics Tuebingen
Classification: Uncertain significance. Last evaluated: 2026-09-01. Review status: criteria provided, single submitter. Criteria: CeGaT Center For Human Genetics Tuebingen Variant Classification Criteria Version 2. Collection method: clinical testing. Allele origin: germline. Affected: yes. Observed: 2 variant alleles.
Comment: SPG11: PM2:Supporting, BP4

Labcorp Genetics (formerly Invitae), Labcorp
Classification: Likely benign for Hereditary spastic paraplegia 11. Last evaluated: 2026-02-04. Review status: criteria provided, single submitter. Criteria: Invitae Variant Classification Sherloc (09022015). Collection method: clinical testing. Allele origin: germline.

Ambry Genetics
Classification: Likely benign for Inborn genetic diseases. Last evaluated: 2022-12-14. Review status: criteria provided, single submitter. Criteria: Ambry Variant Classification Scheme 2023. Collection method: clinical testing. Allele origin: germline.

Mayo Clinic Laboratories, Mayo Clinic
Classification: Uncertain significance. Last evaluated: 2019-07-15. Review status: criteria provided, single submitter. Criteria: ACMG Guidelines, 2015. Collection method: clinical testing. Allele origin: germline. Observed: 1 variant allele.

Genome-Nilou Lab
Classification: Uncertain significance for Amyotrophic lateral sclerosis type 5. Review status: criteria provided, single submitter. Criteria: ACMG Guidelines, 2015. Collection method: clinical testing. Allele origin: germline.

Genome-Nilou Lab
Classification: Uncertain significance for Charcot-Marie-Tooth disease axonal type 2X. Review status: criteria provided, single submitter. Criteria: ACMG Guidelines, 2015. Collection method: clinical testing. Allele origin: germline.

Genome-Nilou Lab
Classification: Uncertain significance for Hereditary spastic paraplegia 11. Review status: criteria provided, single submitter. Criteria: ACMG Guidelines, 2015. Collection method: clinical testing. Allele origin: germline.

NM_025137.4(SPG11):c.4490A>G (p.Asn1497Ser)

Gene: SPG11 (SPG11 vesicle trafficking associated, spatacsin; minus strand). Cytogenetic location: 15q21.1.
Variant type: single nucleotide variant.
Coding change: c.4490A>G on transcript NM_025137.4 (MANE Select); coding-DNA position 4490, A replaced by G.
Protein change: p.Asn1497Ser; replaces asparagine 1497 with serine.
Molecular consequence: missense variant.
Genome position (GRCh38, 1-based): chr15:44,595,404, T>C on the plus strand (A>G on the coding strand, the complement: SPG11 is on the minus strand). VCF-style: chr15-44595404-T-C. GRCh37 (hg19) VCF-style: chr15-44887602-T-C.
Other names: c.4490A>G, p.Asn1497Ser (NM_001160227.2); short protein forms N1497S.
Identifiers: ClinVar variation 534855 (VCV000534855.15), dbSNP rs747973076, ClinGen allele CA7534658.